The following is an entry in ClinVar:

ClinVar aggregate classification (germline): Pathogenic/Likely pathogenic. Review status: criteria provided, multiple submitters, no conflicts (2 of 4 stars). 3 submissions from 3 submitters: Pathogenic (2); Likely pathogenic (1). Last evaluated 2025-09-02.

Conditions:
Arthrogryposis multiplex congenita 6. Identifiers: MedGen C5543431, MONDO:0030281, OMIM 619334.
Nemaline myopathy 2 (NEM2). Also called: Nemaline myopathy 2, autosomal recessive. Identifiers: MedGen C1850569, MONDO:0009725, OMIM 256030.

Allele frequency attached by ClinVar (database versions not stated): TOPMed below 0.00001; gnomAD 0.00001.
gnomAD v4.1: 1 of 1,583,670 alleles (0.000063%); highest among the groups gnomAD compares: Non-Finnish European, 0.000086%; no homozygotes.

Submissions (3):

Natera, Inc.
Classification: Likely pathogenic for Nemaline myopathy type 2. Last evaluated: 2025-09-02. Review status: criteria provided, single submitter. Criteria: Natera Variant Classification Schema (03/2026). Collection method: clinical testing. Allele origin: germline.
Comment: The c.928-1G>A variant in NEB is a canonical splice acceptor site variant predicted to affect pre-mRNA splicing, which may result in an abnormal transcript and altered protein product. This variant may result in a truncated or dysfunctional protein product. This variant is rare in the general population with a frequency below the threshold expected for the associated phenotype(s). This variant has been observed in one or more individuals affected with the associated recessive disease, as either homozygous or compound heterozygous with a second variant (PMID: 16917880). This variant has been identified in one or more affected individual with a phenotype highly consistent with the associated gene (PMID:16917880). Given the available evidence, this variant is classified as Likely Pathogenic.

Baylor Genetics
Classification: Pathogenic for Arthrogryposis multiplex congenita 6. Last evaluated: 2023-08-10. Review status: criteria provided, single submitter. Criteria: ACMG Guidelines, 2015. Collection method: clinical testing. Allele origin: unknown.

Labcorp Genetics (formerly Invitae), Labcorp
Classification: Pathogenic for Nemaline myopathy 2. Last evaluated: 2023-06-09. Review status: criteria provided, single submitter. Criteria: Invitae Variant Classification Sherloc (09022015). Collection method: clinical testing. Allele origin: germline.
Comment: This sequence change affects an acceptor splice site in intron 11 of the NEB gene. It is expected to disrupt RNA splicing. Variants that disrupt the donor or acceptor splice site typically lead to a loss of protein function (PMID: 16199547), and loss-of-function variants in NEB are known to be pathogenic (PMID: 25205138). For these reasons, this variant has been classified as Pathogenic. Algorithms developed to predict the effect of sequence changes on RNA splicing suggest that this variant may disrupt the consensus splice site. ClinVar contains an entry for this variant (Variation ID: 1068014). This variant is also known as g.23393 G>A. Disruption of this splice site has been observed in individual(s) with nemaline myopathy (PMID: 16917880). In at least one individual the data is consistent with being in trans (on the opposite chromosome) from a pathogenic variant. This variant is not present in population databases (gnomAD no frequency).

Literature cited by the submitters: PubMed 16917880 (cited by Natera, Inc. and Labcorp Genetics (formerly Invitae), Labcorp); PubMed 16199547 (cited by Labcorp Genetics (formerly Invitae), Labcorp); PubMed 25205138 (cited by Labcorp Genetics (formerly Invitae), Labcorp).

NM_001164508.2(NEB):c.928-1G>A

Gene: NEB (nebulin; minus strand). Cytogenetic location: 2q23.3.
Variant type: single nucleotide variant.
Coding change: c.928-1G>A on transcript NM_001164508.2 (MANE Select); the canonical splice acceptor site of the intron before coding-DNA position 928, G replaced by A.
Molecular consequence: splice acceptor variant.
Genome position (GRCh38, 1-based): chr2:151,709,764, C>T on the plus strand (G>A on the coding strand, the complement: NEB is on the minus strand). VCF-style: chr2-151709764-C-T. GRCh37 (hg19) VCF-style: chr2-152566278-C-T.
Other names: c.928-1G>A (NM_001271208.1, NM_004543.5, NM_001164507.2 and 1 more transcripts).
Identifiers: ClinVar variation 1068014 (VCV001068014.9), dbSNP rs1162553327, ClinGen allele CA348786465.